The following is an entry in ClinVar:

ClinVar aggregate classification (germline): Likely pathogenic. Review status: criteria provided, multiple submitters, no conflicts (2 of 4 stars). 3 submissions from 3 submitters: Likely pathogenic (2). 1 of the submissions does not count toward it. Last evaluated 2024-05-13.

Conditions:
Charcot-Marie-Tooth disease. Also called: Charcot-Marie-Tooth Neuropathy; Charcot-Marie-Tooth Hereditary Neuropathy. Identifiers: Orphanet 166, MedGen C0007959, MONDO:0015626.
Charcot-Marie-Tooth Neuropathy X. Identifiers: MedGen CN118851.

Allele frequency attached by ClinVar (database versions not stated): gnomAD exomes below 0.00001.
gnomAD v4.1: 1 of 1,203,332 alleles (0.000083%); highest among the groups gnomAD compares: Non-Finnish European, 0.00011%; no homozygotes.

Submissions (3):

GeneDx
Classification: Likely pathogenic. Last evaluated: 2024-05-13. Review status: criteria provided, single submitter. Criteria: GeneDx Variant Classification Process June 2021. Collection method: clinical testing. Allele origin: germline. Affected: yes.
Comment: Not observed at significant frequency in large population cohorts (gnomAD); In silico analysis supports that this missense variant has a deleterious effect on protein structure/function; Missense variants in this gene are a common cause of disease and they are underrepresented in the general population; This variant is associated with the following publications: (PMID: 9361298, 21692908, 21291455)

Labcorp Genetics (formerly Invitae), Labcorp
Classification: Likely pathogenic for Charcot-Marie-Tooth Neuropathy X. Last evaluated: 2022-02-03. Review status: criteria provided, single submitter. Criteria: Invitae Variant Classification Sherloc (09022015). Collection method: clinical testing. Allele origin: germline.
Comment: This variant is not present in population databases (gnomAD no frequency). This sequence change replaces lysine, which is basic and polar, with glutamic acid, which is acidic and polar, at codon 103 of the GJB1 protein (p.Lys103Glu). This missense change has been observed in individuals with Charcot-Marie-Tooth disease (PMID: 21692908; Invitae). In summary, the currently available evidence indicates that the variant is pathogenic, but additional data are needed to prove that conclusively. Therefore, this variant has been classified as Likely Pathogenic. Algorithms developed to predict the effect of missense changes on protein structure and function (SIFT, PolyPhen-2, Align-GVGD) all suggest that this variant is likely to be disruptive. ClinVar contains an entry for this variant (Variation ID: 429329).

Inherited Neuropathy Consortium
Classification: Uncertain significance for Charcot-Marie-Tooth disease. Review status: no assertion criteria provided. Collection method: literature only. Allele origin: germline. Affected: yes. Not counted in ClinVar's aggregate classification.

Literature cited by the submitters: PubMed 21692908 (cited by Labcorp Genetics (formerly Invitae), Labcorp); PubMed 9361298 (cited by Inherited Neuropathy Consortium).

NM_000166.6(GJB1):c.307A>G (p.Lys103Glu)

Gene: GJB1 (gap junction protein beta 1; plus strand). Cytogenetic location: Xq13.1.
Variant type: single nucleotide variant.
Coding change: c.307A>G on transcript NM_000166.6 (MANE Select); coding-DNA position 307, A replaced by G.
Protein change: p.Lys103Glu; replaces lysine 103 with glutamic acid.
Molecular consequence: missense variant.
Genome position (GRCh38, 1-based): chrX:71,224,014, A>G. VCF-style: chrX-71224014-A-G. GRCh37 (hg19) VCF-style: chrX-70443864-A-G.
Other names: c.307A>G, p.Lys103Glu (NM_001097642.3); short protein forms K103E.
Identifiers: ClinVar variation 429329 (VCV000429329.11), dbSNP rs1131691322, ClinGen allele CA413501861.